The following is an entry in ClinVar:

ClinVar aggregate classification (germline): Uncertain significance. Review status: criteria provided, multiple submitters, no conflicts (2 of 4 stars). 2 submissions from 2 submitters: Uncertain significance (2). Last evaluated 2024-02-09.

Conditions:
Hereditary nonpolyposis colorectal neoplasms. Identifiers: MedGen C0009405, MeSH D003123.
Hereditary cancer-predisposing syndrome. Also called: Tumor predisposition; Hereditary Cancer Syndrome; Hereditary neoplastic syndrome; Neoplastic Syndromes, Hereditary. Identifiers: Orphanet 140162, MedGen C0027672, MeSH D009386, MONDO:0015356.

Allele frequency attached by ClinVar (database versions not stated): TOPMed below 0.00001.

Submissions (2):

Labcorp Genetics (formerly Invitae), Labcorp
Classification: Uncertain significance for Hereditary nonpolyposis colorectal neoplasms. Last evaluated: 2024-02-09. Review status: criteria provided, single submitter. Criteria: Invitae Variant Classification Sherloc (09022015). Collection method: clinical testing. Allele origin: germline.
Comment: This sequence change replaces isoleucine, which is neutral and non-polar, with threonine, which is neutral and polar, at codon 1290 of the MSH6 protein (p.Ile1290Thr). This variant is not present in population databases (gnomAD no frequency). This variant has not been reported in the literature in individuals affected with MSH6-related conditions. ClinVar contains an entry for this variant (Variation ID: 2587323). Advanced modeling of protein sequence and biophysical properties (such as structural, functional, and spatial information, amino acid conservation, physicochemical variation, residue mobility, and thermodynamic stability) performed at Invitae indicates that this missense variant is not expected to disrupt MSH6 protein function with a negative predictive value of 95%. In summary, the available evidence is currently insufficient to determine the role of this variant in disease. Therefore, it has been classified as a Variant of Uncertain Significance.

Ambry Genetics
Classification: Uncertain significance for Hereditary cancer-predisposing syndrome. Last evaluated: 2023-06-21. Review status: criteria provided, single submitter. Criteria: Ambry Variant Classification Scheme 2023. Collection method: clinical testing. Allele origin: germline.
Comment: The p.I1290T variant (also known as c.3869T>C), located in coding exon 9 of the MSH6 gene, results from a T to C substitution at nucleotide position 3869. The isoleucine at codon 1290 is replaced by threonine, an amino acid with similar properties. This amino acid position is conserved. In addition, the in silico prediction for this alteration is inconclusive. Since supporting evidence is limited at this time, the clinical significance of this alteration remains unclear.

NM_000179.3(MSH6):c.3869T>C (p.Ile1290Thr)

Gene: MSH6 (mutS homolog 6; plus strand). Cytogenetic location: 2p16.3.
Variant type: single nucleotide variant.
Coding change: c.3869T>C on transcript NM_000179.3 (MANE Select); coding-DNA position 3869, T replaced by C.
Protein change: p.Ile1290Thr; replaces isoleucine 1290 with threonine.
Molecular consequence: missense variant. On other transcripts: synonymous variant (1), non-coding transcript variant (5), intron variant (1).
Genome position (GRCh38, 1-based): chr2:47,806,519, T>C. VCF-style: chr2-47806519-T-C. GRCh37 (hg19) VCF-style: chr2-48033658-T-C.
Other names: c.3479T>C, p.Ile1160Thr (NM_001281492.2); c.2963T>C, p.Ile988Thr (NM_001281493.2, NM_001281494.2, NM_001406811.1 and 6 more transcripts); c.3965T>C, p.Ile1322Thr (NM_001406795.1); c.3869T>C, p.Ile1290Thr (NM_001406796.1, NM_001406808.1, NM_001406809.1); c.3572T>C, p.Ile1191Thr (NM_001406797.1, NM_001406801.1, NM_001406805.1 and 10 more transcripts); c.3695T>C, p.Ile1232Thr (NM_001406798.1); c.3344T>C, p.Ile1115Thr (NM_001406799.1, NM_001406806.1, NM_001406807.1); c.3856T>C, p.Leu1286= (NM_001406800.1); and 9 more; short protein forms I1232T, I1292T, I768T, I1002T, I1191T, I1264T, I217T, I988T.
Identifiers: ClinVar variation 2587323 (VCV002587323.4), dbSNP rs1393668821, ClinGen allele CA346761352.